The following is an entry in ClinVar:

NM_012092.4(ICOS):c.580C>A (p.Leu194Ile)

Gene: ICOS (inducible T cell costimulator; plus strand). Cytogenetic location: 2q33.2.
Variant type: single nucleotide variant.
Coding change: c.580C>A on transcript NM_012092.4 (MANE Select); coding-DNA position 580, C replaced by A.
Protein change: p.Leu194Ile; replaces leucine 194 with isoleucine.
Molecular consequence: missense variant.
Genome position (GRCh38, 1-based): chr2:203,957,877, C>A. VCF-style: chr2-203957877-C-A. GRCh37 (hg19) VCF-style: chr2-204822600-C-A.
Other names: short protein forms L194I.
Identifiers: ClinVar variation 1035995 (VCV001035995.4), dbSNP rs547175222, ClinGen allele CA2067327.

ClinVar aggregate classification (germline): Uncertain significance (1 of 4 stars; one submission).

Conditions:
Immunodeficiency, common variable, 1. Also called: ANTIBODY DEFICIENCY DUE TO ICOS DEFECT. Identifiers: Orphanet 1572, Orphanet 695183, MedGen C3149378, MONDO:0011864, OMIM 607594.

Allele frequency attached by ClinVar (database versions not stated): ExAC 0.00002; gnomAD 0.00001; 1000 Genomes Project 30x 0.00016; gnomAD exomes below 0.00001 and 0.00001; 1000 Genomes Project 0.00020; TOPMed 0.00001.

Submission:

Labcorp Genetics (formerly Invitae), Labcorp
Classification: Uncertain significance for Immunodeficiency, common variable, 1. Last evaluated: 2021-11-29. Review status: criteria provided, single submitter. Criteria: Invitae Variant Classification Sherloc (09022015). Collection method: clinical testing. Allele origin: germline.
Comment: This sequence change replaces leucine, which is neutral and non-polar, with isoleucine, which is neutral and non-polar, at codon 194 of the ICOS protein (p.Leu194Ile). This variant is present in population databases (rs547175222, gnomAD 0.01%). This variant has not been reported in the literature in individuals affected with ICOS-related conditions. ClinVar contains an entry for this variant (Variation ID: 1035995). Algorithms developed to predict the effect of missense changes on protein structure and function (SIFT, PolyPhen-2, Align-GVGD) all suggest that this variant is likely to be tolerated. In summary, the available evidence is currently insufficient to determine the role of this variant in disease. Therefore, it has been classified as a Variant of Uncertain Significance.